The following is an entry in ClinVar:

NM_020949.3(SLC7A14):c.541+5G>C

Genes: SLC7A14 (solute carrier family 7 member 14; minus strand), SLC7A14-AS1 (SLC7A14 antisense RNA 1; plus strand). Cytogenetic location: 3q26.2.
Variant type: single nucleotide variant.
Coding change: c.541+5G>C on transcript NM_020949.3 (MANE Select); 5 bases into the intron after coding-DNA position 541, G replaced by C.
Molecular consequence: intron variant.
Genome position (GRCh38, 1-based): chr3:170,501,104, C>G on the plus strand (G>C on the coding strand, the complement: SLC7A14 is on the minus strand). VCF-style: chr3-170501104-C-G. GRCh37 (hg19) VCF-style: chr3-170218893-C-G.
Identifiers: ClinVar variation 1057860 (VCV001057860.7), dbSNP rs763828026, ClinGen allele CA2701908.

ClinVar aggregate classification (germline): Uncertain significance (1 of 4 stars; one submission).

gnomAD v4.1: 2 of 1,614,028 alleles (0.00012%); highest among the groups gnomAD compares: Admixed American, 0.0017%; no homozygotes.

Submission:

Labcorp Genetics (formerly Invitae), Labcorp
Classification: Uncertain significance. Last evaluated: 2020-02-26. Review status: criteria provided, single submitter. Criteria: Invitae Variant Classification Sherloc (09022015). Collection method: clinical testing. Allele origin: germline.
Comment: This sequence change falls in intron 3 of the SLC7A14 gene. It does not directly change the encoded amino acid sequence of the SLC7A14 protein, but it affects a nucleotide within the consensus splice site of the intron. This variant is present in population databases (rs763828026, ExAC 0.009%). This variant has not been reported in the literature in individuals with SLC7A14-related conditions. Nucleotide substitutions within the consensus splice site are a relatively common cause of aberrant splicing (PMID: 17576681, 9536098). Algorithms developed to predict the effect of sequence changes on RNA splicing suggest that this variant may disrupt the consensus splice site, but this prediction has not been confirmed by published transcriptional studies. In summary, the available evidence is currently insufficient to determine the role of this variant in disease. Therefore, it has been classified as a Variant of Uncertain Significance.

Literature cited by the submitters: PubMed 17576681; PubMed 9536098.